The following is an entry in ClinVar:

NM_001754.5(RUNX1):c.1032C>T (p.Asp344=)

Gene: RUNX1 (RUNX family transcription factor 1; minus strand). Cytogenetic location: 21q22.12.
Variant type: single nucleotide variant.
Coding change: c.1032C>T on transcript NM_001754.5 (MANE Select); coding-DNA position 1032, C replaced by T.
Protein change: p.Asp344=; no amino-acid change (aspartic acid 344 retained).
Molecular consequence: synonymous variant.
Genome position (GRCh38, 1-based): chr21:34,792,546, G>A on the plus strand (C>T on the coding strand, the complement: RUNX1 is on the minus strand). VCF-style: chr21-34792546-G-A. GRCh37 (hg19) VCF-style: chr21-36164843-G-A.
Other names: NM_001754.5(RUNX1):c.1032C>T; p.Asp344=; c.951C>T, p.Asp317= (NM_001001890.3).
Identifiers: ClinVar variation 761870 (VCV000761870.11), dbSNP rs1601333645, ClinGen allele CA512341357.

ClinVar aggregate classification (germline): Likely benign. Review status: reviewed by expert panel (3 of 4 stars). 2 submissions from 2 submitters: Likely benign (1). 1 of the submissions does not count toward it. Last evaluated 2024-07-11.

Conditions:
Hereditary thrombocytopenia and hematological cancer predisposition syndrome associated with RUNX1. Also called: PLATELET DISORDER, ASPIRIN-LIKE; Familial Platelet Disorder with Propensity to Acute Myelogenous Leukemia; Familial thrombocytopenia with propensity to acute myelogenous leukemia; RUNX1 Familial Platelet Disorder with Associated Myeloid Malignancies. Identifiers: Orphanet 71290, MedGen C1832388, MeSH C563324, MONDO:0100083, OMIM 601399.
Hereditary thrombocytopenia and hematologic cancer predisposition syndrome. Identifiers: Orphanet 71290, MedGen CN281654, MONDO:0011071.

gnomAD v4.1: 1 of 1,607,144 alleles (0.000062%); highest among the groups gnomAD compares: South Asian, 0.0011%; no homozygotes.

Submissions (2):

ClinGen Myeloid Malignancy Variant Curation Expert Panel
Classification: Likely benign for Hereditary thrombocytopenia and hematologic cancer predisposition syndrome. Last evaluated: 2024-07-11. Review status: reviewed by expert panel. Criteria: ClinGen MyeloMalig ACMG Specifications v2. Collection method: curation. Allele origin: germline. Inheritance: Autosomal dominant inheritance.
Comment: NM_001754.5(RUNX1): c.1032C>T (p.Asp344=) is a synonymous variant with a SpliceAI Δ score ≤ 0.20 (0.00) (BP4). Evolutionary conservation algorithms predict the site as not being conserved (PhyloP score 0.86978 < 2.0), and the variant is the reference nucleotide in three mammal species (BP7). This variant is completely absent from all population databases with at least 20x coverage for RUNX1 (PM2_supporting). In summary, this variant meets criteria to be classified as likely benign. ACMG/AMP criteria applied, as specified by the Myeloid Malignancy Variant Curation Expert Panel for RUNX1: BP4, BP7, PM2_supporting.

Labcorp Genetics (formerly Invitae), Labcorp
Classification: Likely benign for Hereditary thrombocytopenia and hematological cancer predisposition syndrome associated with RUNX1. Last evaluated: 2022-09-01. Review status: criteria provided, single submitter. Criteria: Invitae Variant Classification Sherloc (09022015). Collection method: clinical testing. Allele origin: germline. Not counted in ClinVar's aggregate classification.